The following is an entry in ClinVar:

ClinVar aggregate classification (germline): Uncertain significance. Review status: criteria provided, multiple submitters, no conflicts (2 of 4 stars). 2 submissions from 2 submitters: Uncertain significance (2). Last evaluated 2024-06-17.

Conditions:
Hereditary cancer-predisposing syndrome. Also called: Hereditary neoplastic syndrome; Neoplastic Syndromes, Hereditary; Tumor predisposition; Hereditary Cancer Syndrome. Identifiers: Orphanet 140162, MedGen C0027672, MeSH D009386, MONDO:0015356.
Fanconi anemia complementation group J. Also called: BRIP1-Related Fanconi Anemia. Identifiers: Orphanet 84, MedGen C1836860, MONDO:0012187, OMIM 609054.
Familial cancer of breast. Also called: BREAST CANCER, FAMILIAL; hereditary breast carcinoma; Hereditary breast cancer. Identifiers: Orphanet 227535, MedGen C0346153, MONDO:0016419, OMIM 114480. Disease mechanism: loss of function.

Submissions (2):

Ambry Genetics
Classification: Uncertain significance for Hereditary cancer-predisposing syndrome. Last evaluated: 2024-06-17. Review status: criteria provided, single submitter. Criteria: Ambry Variant Classification Scheme 2023. Collection method: clinical testing. Allele origin: germline.
Comment: The p.M1? variant (also known as c1A>T) is located in coding exon 1 of the BRIP1 gene and results from a A to T substitution at nucleotide position 1. This alters the methionine residue at the initiation codon (ATG). Variations that modify the initiation codon (ATG) are expected to result in either loss of translation initiation, N-terminal truncation, or cause a shift in the mRNA reading frame; however, there is an in-frame methionine 3 amino acids from the initiation site, which may result in N-terminal truncation of unknown functional significance. Based on the available evidence, the clinical significance of this variant remains unclear.

Labcorp Genetics (formerly Invitae), Labcorp
Classification: Uncertain significance for Familial cancer of breast; Fanconi anemia complementation group J. Last evaluated: 2024-05-14. Review status: criteria provided, single submitter. Criteria: Invitae Variant Classification Sherloc (09022015). Collection method: clinical testing. Allele origin: germline.
Comment: This sequence change affects the initiator methionine of the BRIP1 mRNA. The next in-frame methionine is located at codon 4. This variant is not present in population databases (gnomAD no frequency). Disruption of the initiator codon has been observed in individual(s) with breast cancer (PMID: 34326862). ClinVar contains an entry for this variant (Variation ID: 461090). Experimental studies and prediction algorithms are not available or were not evaluated, and the functional significance of this variant is currently unknown. In summary, the available evidence is currently insufficient to determine the role of this variant in disease. Therefore, it has been classified as a Variant of Uncertain Significance.

Literature cited by the submitters: PubMed 34326862 (cited by Labcorp Genetics (formerly Invitae), Labcorp).

NM_032043.3(BRIP1):c.1A>T (p.Met1Leu)

Gene: BRIP1 (BRCA1 interacting DNA helicase 1; minus strand). Cytogenetic location: 17q23.2.
Variant type: single nucleotide variant.
Coding change: c.1A>T on transcript NM_032043.3 (MANE Select); coding-DNA position 1, A replaced by T.
Protein change: p.Met1Leu; changes the start codon (methionine 1).
Molecular consequence: missense variant, initiator codon variant.
Genome position (GRCh38, 1-based): chr17:61,861,539, T>A on the plus strand (A>T on the coding strand, the complement: BRIP1 is on the minus strand). VCF-style: chr17-61861539-T-A. GRCh37 (hg19) VCF-style: chr17-59938900-T-A.
Other names: short protein forms M1L.
Identifiers: ClinVar variation 461090 (VCV000461090.15), dbSNP rs764585550, ClinGen allele CA400486104.